The following is an entry in ClinVar:

ClinVar aggregate classification (germline): Uncertain significance (1 of 4 stars; one submission).

Submission:

Labcorp Genetics (formerly Invitae), Labcorp
Classification: Uncertain significance. Last evaluated: 2024-08-26. Review status: criteria provided, single submitter. Criteria: Invitae Variant Classification Sherloc (09022015). Collection method: clinical testing. Allele origin: germline.
Comment: This sequence change replaces aspartic acid, which is acidic and polar, with glycine, which is neutral and non-polar, at codon 624 of the RBM10 protein (p.Asp624Gly). This variant is not present in population databases (gnomAD no frequency). This variant has not been reported in the literature in individuals affected with RBM10-related conditions. An algorithm developed to predict the effect of missense changes on protein structure and function (PolyPhen-2) suggests that this variant is likely to be disruptive. In summary, the available evidence is currently insufficient to determine the role of this variant in disease. Therefore, it has been classified as a Variant of Uncertain Significance.

NM_005676.5(RBM10):c.1871A>G (p.Asp624Gly)

Gene: RBM10 (RNA binding motif protein 10; plus strand). Cytogenetic location: Xp11.3.
Variant type: single nucleotide variant.
Coding change: c.1871A>G on transcript NM_005676.5 (MANE Select); coding-DNA position 1871, A replaced by G.
Protein change: p.Asp624Gly; replaces aspartic acid 624 with glycine.
Molecular consequence: missense variant.
Genome position (GRCh38, 1-based): chrX:47,182,247, A>G. VCF-style: chrX-47182247-A-G. GRCh37 (hg19) VCF-style: chrX-47041646-A-G.
Other names: c.1868A>G, p.Asp623Gly (NM_001204467.2); c.2066A>G, p.Asp689Gly (NM_001204468.2); c.1637A>G, p.Asp546Gly (NM_152856.3); c.1640A>G, p.Asp547Gly (NM_001204466.2); short protein forms D624G, D546G, D623G, D689G, D547G.
Identifiers: ClinVar variation 3663418 (VCV003663418.2).